The following is an entry in ClinVar:

NM_000059.4(BRCA2):c.5218_5234del (p.Leu1740fs)

Gene: BRCA2 (BRCA2 DNA repair associated; plus strand). Cytogenetic location: 13q13.1.
Variant type: Deletion.
Coding change: c.5218_5234del on transcript NM_000059.4 (MANE Select); coding-DNA positions 5218 to 5234, 17 bases deleted (TTAAGTAACAGTAGCAT).
Protein change: p.Leu1740fs; shifts the reading frame from leucine 1740.
Molecular consequence: frameshift variant.
Genome position (GRCh38, 1-based): chr13:32,339,573-32,339,589, TTAAGTAACAGTAGCAT deleted; deleting any 17 consecutive bases within chr13:32,339,571-32,339,589 gives the same sequence; the c. name uses the placement nearest the transcript's 3' end. VCF-style (leftmost placement, unchanged base first): chr13-32339570-TATTTAAGTAACAGTAGC-T. GRCh37 (hg19) VCF-style: chr13-32913707-TATTTAAGTAACAGTAGC-T.
Other names: 5445del17; short protein forms L1740fs.
Identifiers: ClinVar variation 266864 (VCV000266864.3), dbSNP rs886040581, ClinGen allele CA10589301.

ClinVar aggregate classification (germline): Pathogenic (3 of 4 stars; one submission).

Conditions:
Breast-ovarian cancer, familial, susceptibility to, 2 (BROVCA2). Also called: BRCA2 Hereditary Breast and Ovarian Cancer. Identifiers: Orphanet 145, MedGen C2675520, MONDO:0012933, OMIM 612555. Disease mechanism: loss of function.

Submission:

Evidence-based Network for the Interpretation of Germline Mutant Alleles (ENIGMA)
Classification: Pathogenic for Breast-ovarian cancer, familial, susceptibility to, 2. Last evaluated: 2016-10-18. Review status: reviewed by expert panel. Criteria: ENIGMA BRCA1/2 Classification Criteria (2015). Collection method: curation. Allele origin: germline.
Comment: Variant allele predicted to encode a truncated non-functional protein.